The following is an entry in ClinVar:

ClinVar aggregate classification (germline): Uncertain significance (1 of 4 stars; one submission).

Conditions:
Hereditary cancer-predisposing syndrome. Also called: Tumor predisposition; Hereditary neoplastic syndrome; Hereditary Cancer Syndrome; Neoplastic Syndromes, Hereditary. Identifiers: Orphanet 140162, MedGen C0027672, MeSH D009386, MONDO:0015356.

gnomAD v4.1: 1 of 1,613,004 alleles (0.000062%); highest among the groups gnomAD compares: Non-Finnish European, 0.000085%; no homozygotes.

Submission:

Ambry Genetics
Classification: Uncertain significance for Hereditary cancer-predisposing syndrome. Last evaluated: 2025-03-20. Review status: criteria provided, single submitter. Criteria: Ambry Variant Classification Scheme 2023. Collection method: clinical testing. Allele origin: germline.
Comment: The p.N2189K variant (also known as c.6567C>G), located in coding exon 47 of the POLE gene, results from a C to G substitution at nucleotide position 6567. The asparagine at codon 2189 is replaced by lysine, an amino acid with similar properties. This amino acid position is conserved. In addition, this alteration is predicted to be tolerated by in silico analysis. Based on the available evidence, the clinical significance of this variant remains unclear.

NM_006231.4(POLE):c.6567C>G (p.Asn2189Lys)

Gene: POLE (DNA polymerase epsilon, catalytic subunit; minus strand). Cytogenetic location: 12q24.33.
Variant type: single nucleotide variant.
Coding change: c.6567C>G on transcript NM_006231.4 (MANE Select); coding-DNA position 6567, C replaced by G.
Protein change: p.Asn2189Lys; replaces asparagine 2189 with lysine.
Molecular consequence: missense variant.
Genome position (GRCh38, 1-based): chr12:132,625,735, G>C on the plus strand (C>G on the coding strand, the complement: POLE is on the minus strand). VCF-style: chr12-132625735-G-C. GRCh37 (hg19) VCF-style: chr12-133202321-G-C.
Other names: short protein forms N2189K.
Identifiers: ClinVar variation 3935700 (VCV003935700.1).